The following is an entry in ClinVar:

NM_138694.4(PKHD1):c.3202A>T (p.Arg1068Ter)

Gene: PKHD1 (PKHD1 ciliary IPT domain containing fibrocystin/polyductin; minus strand). Cytogenetic location: 6p12.2.
Variant type: single nucleotide variant.
Coding change: c.3202A>T on transcript NM_138694.4 (MANE Select); coding-DNA position 3202, A replaced by T.
Protein change: p.Arg1068Ter; replaces arginine 1068 with a stop codon.
Molecular consequence: nonsense.
Genome position (GRCh38, 1-based): chr6:52,035,617, T>A on the plus strand (A>T on the coding strand, the complement: PKHD1 is on the minus strand). VCF-style: chr6-52035617-T-A. GRCh37 (hg19) VCF-style: chr6-51900415-T-A.
Other names: c.3202A>T, p.Arg1068Ter (NM_170724.3); short protein forms R1068*.
Identifiers: ClinVar variation 2631788 (VCV002631788.4), dbSNP rs2532923398, ClinGen allele CA364441676.

ClinVar aggregate classification (germline): Pathogenic. Review status: criteria provided, multiple submitters, no conflicts (2 of 4 stars). 2 submissions from 2 submitters: Pathogenic (2). Last evaluated 2023-07-21.

Conditions:
PKHD1-related disorder. Also called: PKHD1-related condition.
Autosomal recessive polycystic kidney disease (ARPKD). Also called: AR polycystic kidney disease. Identifiers: Orphanet 731, Orphanet 8378, MedGen C0085548, MeSH D017044, MONDO:0009889.

Submissions (2):

PreventionGenetics, part of Exact Sciences
Classification: Pathogenic for PKHD1-related condition. Last evaluated: 2023-07-21. Review status: criteria provided, single submitter. Criteria: ACMG Guidelines, 2015. Collection method: clinical testing. Allele origin: germline.
Comment: The PKHD1 c.3202A>T variant is predicted to result in premature protein termination (p.Arg1068*). To our knowledge, this variant has not been reported in the literature or in a large population database, indicating this variant is rare. Nonsense variants in PKHD1 are expected to be pathogenic. This variant is interpreted as pathogenic.

Labcorp Genetics (formerly Invitae), Labcorp
Classification: Pathogenic for Autosomal recessive polycystic kidney disease. Last evaluated: 2023-05-13. Review status: criteria provided, single submitter. Criteria: Invitae Variant Classification Sherloc (09022015). Collection method: clinical testing. Allele origin: germline.
Comment: For these reasons, this variant has been classified as Pathogenic. This variant has not been reported in the literature in individuals affected with PKHD1-related conditions. This variant is not present in population databases (gnomAD no frequency). This sequence change creates a premature translational stop signal (p.Arg1068*) in the PKHD1 gene. It is expected to result in an absent or disrupted protein product. Loss-of-function variants in PKHD1 are known to be pathogenic (PMID: 19940839).

Literature cited by the submitters: PubMed 19940839 (cited by Labcorp Genetics (formerly Invitae), Labcorp).